The following is an entry in ClinVar:

NM_000548.5(TSC2):c.87G>A (p.Arg29=)

Gene: TSC2 (TSC complex subunit 2; plus strand). Cytogenetic location: 16p13.3.
Variant type: single nucleotide variant.
Coding change: c.87G>A on transcript NM_000548.5 (MANE Select); coding-DNA position 87, G replaced by A.
Protein change: p.Arg29=; no amino-acid change (arginine 29 retained).
Molecular consequence: synonymous variant. On other transcripts: 5 prime UTR variant (1), intron variant (1).
Genome position (GRCh38, 1-based): chr16:2,048,702, G>A. VCF-style: chr16-2048702-G-A. GRCh37 (hg19) VCF-style: chr16-2098703-G-A.
Other names: c.87G>A, p.Arg29= (NM_001077183.3, NM_001114382.3, NM_001318827.2 and 4 more transcripts); c.-140G>A (NM_001318831.2); c.120G>A, p.Arg40= (NM_001318832.2); c.-10+637G>A (NM_001318829.2).
Identifiers: ClinVar variation 1536751 (VCV001536751.12), dbSNP rs1010489256, ClinGen allele CA276768602.

ClinVar aggregate classification (germline): Benign/Likely benign. Review status: criteria provided, multiple submitters, no conflicts (2 of 4 stars). 4 submissions from 4 submitters: Benign (1); Likely benign (3). Last evaluated 2025-06-27.

Conditions:
Hereditary cancer-predisposing syndrome. Also called: Tumor predisposition; Hereditary Cancer Syndrome; Hereditary neoplastic syndrome; Neoplastic Syndromes, Hereditary. Identifiers: Orphanet 140162, MedGen C0027672, MeSH D009386, MONDO:0015356.
Tuberous sclerosis syndrome (TSC). Also called: Tuberous Sclerosis Complex; Tuberous sclerosis. Identifiers: Orphanet 805, MedGen C0041341, MONDO:0001734.
Tuberous sclerosis 2 (TSC2). Identifiers: Orphanet 805, MedGen C1860707, MONDO:0013199, OMIM 613254.

Allele frequency attached by ClinVar (database versions not stated): TOPMed below 0.00001.
gnomAD v4.1: 2 of 1,614,066 alleles (0.00012%); highest among the groups gnomAD compares: Non-Finnish European, 0.00017%; no homozygotes.

Submissions (4):

Labcorp Genetics (formerly Invitae), Labcorp
Classification: Likely benign for Tuberous sclerosis 2. Last evaluated: 2025-06-27. Review status: criteria provided, single submitter. Criteria: Invitae Variant Classification Sherloc (09022015). Collection method: clinical testing. Allele origin: germline.

Myriad Genetics, Inc.
Classification: Benign for Tuberous sclerosis 2. Last evaluated: 2025-04-30. Review status: criteria provided, single submitter. Criteria: Myriad Autosomal Dominant, Autosomal Recessive and X-Linked Classification Criteria (2023). Collection method: clinical testing. Allele origin: unknown.
Comment: This variant is considered benign. This variant is a silent/synonymous amino acid change and it is not expected to impact splicing.

All of Us Research Program, National Institutes of Health
Classification: Likely benign for Tuberous sclerosis syndrome. Last evaluated: 2023-06-26. Review status: criteria provided, single submitter. Criteria: ACMG Guidelines, 2015. Collection method: clinical testing. Allele origin: germline. Inheritance: Autosomal dominant inheritance. Observed: 1 variant allele, 1 heterozygote.
Comment: This study involves interpretation of variants in research participants for the purpose of population health screening. Participant phenotype was not available at the time of variant classification. Additional details can be found in publication PMID: 35346344, PMCID: PMC8962531

Ambry Genetics
Classification: Likely benign for Hereditary cancer-predisposing syndrome. Last evaluated: 2019-06-28. Review status: criteria provided, single submitter. Criteria: Ambry Variant Classification Scheme 2023. Collection method: clinical testing. Allele origin: germline.